The following is an entry in ClinVar:

NM_015559.3(SETBP1):c.3134G>A (p.Gly1045Glu)

Gene: SETBP1 (SET binding protein 1; plus strand). Cytogenetic location: 18q12.3.
Variant type: single nucleotide variant.
Coding change: c.3134G>A on transcript NM_015559.3 (MANE Select); coding-DNA position 3134, G replaced by A.
Protein change: p.Gly1045Glu; replaces glycine 1045 with glutamic acid.
Molecular consequence: missense variant.
Genome position (GRCh38, 1-based): chr18:44,952,474, G>A. VCF-style: chr18-44952474-G-A. GRCh37 (hg19) VCF-style: chr18-42532439-G-A.
Other names: c.3134G>A, p.Gly1045Glu (NM_001379141.1, NM_001379142.1, NM_001410862.1); short protein forms G1045E.
Identifiers: ClinVar variation 2759458 (VCV002759458.3), dbSNP rs2511474706, ClinGen allele CA402323589.

ClinVar aggregate classification (germline): Uncertain significance (1 of 4 stars; one submission).

Submission:

Labcorp Genetics (formerly Invitae), Labcorp
Classification: Uncertain significance. Last evaluated: 2023-09-10. Review status: criteria provided, single submitter. Criteria: Invitae Variant Classification Sherloc (09022015). Collection method: clinical testing. Allele origin: germline.
Comment: This sequence change replaces glycine, which is neutral and non-polar, with glutamic acid, which is acidic and polar, at codon 1045 of the SETBP1 protein (p.Gly1045Glu). This variant is not present in population databases (gnomAD no frequency). This variant has not been reported in the literature in individuals affected with SETBP1-related conditions. Advanced modeling of protein sequence and biophysical properties (such as structural, functional, and spatial information, amino acid conservation, physicochemical variation, residue mobility, and thermodynamic stability) performed at Invitae indicates that this missense variant is expected to disrupt SETBP1 protein function. In summary, the available evidence is currently insufficient to determine the role of this variant in disease. Therefore, it has been classified as a Variant of Uncertain Significance.